The following is an entry in ClinVar:

ClinVar aggregate classification (germline): Uncertain significance. Review status: criteria provided, multiple submitters, no conflicts (2 of 4 stars). 2 submissions from 2 submitters: Uncertain significance (2). Last evaluated 2024-10-09.

Conditions:
Hereditary cancer-predisposing syndrome. Also called: Hereditary neoplastic syndrome; Tumor predisposition; Neoplastic Syndromes, Hereditary; Hereditary Cancer Syndrome. Identifiers: Orphanet 140162, MedGen C0027672, MeSH D009386, MONDO:0015356.

Allele frequency attached by ClinVar (database versions not stated): gnomAD 0.00001.
gnomAD v4.1: 5 of 1,613,734 alleles (0.00031%); highest among the groups gnomAD compares: Non-Finnish European, 0.00042%; no homozygotes.

Submissions (2):

Labcorp Genetics (formerly Invitae), Labcorp
Classification: Uncertain significance. Last evaluated: 2024-10-09. Review status: criteria provided, single submitter. Criteria: Invitae Variant Classification Sherloc (09022015). Collection method: clinical testing. Allele origin: germline.
Comment: This sequence change replaces cysteine, which is neutral and slightly polar, with glycine, which is neutral and non-polar, at codon 274 of the MSH3 protein (p.Cys274Gly). This variant is not present in population databases (gnomAD no frequency). This variant has not been reported in the literature in individuals affected with MSH3-related conditions. ClinVar contains an entry for this variant (Variation ID: 957092). An algorithm developed to predict the effect of missense changes on protein structure and function (PolyPhen-2) suggests that this variant is likely to be disruptive. In summary, the available evidence is currently insufficient to determine the role of this variant in disease. Therefore, it has been classified as a Variant of Uncertain Significance.

Ambry Genetics
Classification: Uncertain significance for Hereditary cancer-predisposing syndrome. Last evaluated: 2020-04-10. Review status: criteria provided, single submitter. Criteria: Ambry Variant Classification Scheme 2023. Collection method: clinical testing. Allele origin: germline.
Comment: The p.C274G variant (also known as c.820T>G), located in coding exon 5 of the MSH3 gene, results from a T to G substitution at nucleotide position 820. The cysteine at codon 274 is replaced by glycine, an amino acid with highly dissimilar properties. This amino acid position is highly conserved in available vertebrate species. In addition, this alteration is predicted to be deleterious by in silico analysis. Since supporting evidence is limited at this time, the clinical significance of this alteration remains unclear.

NM_002439.5(MSH3):c.820T>G (p.Cys274Gly)

Gene: MSH3 (mutS homolog 3; plus strand). Cytogenetic location: 5q14.1.
Variant type: single nucleotide variant.
Coding change: c.820T>G on transcript NM_002439.5 (MANE Select); coding-DNA position 820, T replaced by G.
Protein change: p.Cys274Gly; replaces cysteine 274 with glycine.
Molecular consequence: missense variant.
Genome position (GRCh38, 1-based): chr5:80,672,271, T>G. VCF-style: chr5-80672271-T-G. GRCh37 (hg19) VCF-style: chr5-79968090-T-G.
Other names: short protein forms C274G.
Identifiers: ClinVar variation 957092 (VCV000957092.12), dbSNP rs1749740029, ClinGen allele CA360267105.
Genomic context (GRCh38, chr5:80,672,271, plus strand): 5'-AATTTATTGATATTTTCTTTTTTCATTTTTTAGATTGCAGCCCGAGAGCTCAATATTTAT[T>G]GCCATTTAGATCACAACTTTATGACAGCAAGTATACCTACTCACAGACTGTTTGTTCATG-3'
Protein context (NP_002430.3, residues 264-284): EIAARELNIY[Cys274Gly]HLDHNFMTAS